The following is an entry in ClinVar:

ClinVar aggregate classification (germline): Uncertain significance (1 of 4 stars; one submission).

Conditions:
Long QT syndrome (LQTS). Identifiers: MedGen C0023976, MeSH D008133, MONDO:0002442. Disease mechanism: loss of function. Inheritance: Various modes of inheritance.

Submission:

Labcorp Genetics (formerly Invitae), Labcorp
Classification: Uncertain significance for Long QT syndrome. Last evaluated: 2023-06-16. Review status: criteria provided, single submitter. Criteria: Invitae Variant Classification Sherloc (09022015). Collection method: clinical testing. Allele origin: germline.
Comment: In summary, the available evidence is currently insufficient to determine the role of this variant in disease. Therefore, it has been classified as a Variant of Uncertain Significance. Advanced modeling of protein sequence and biophysical properties (such as structural, functional, and spatial information, amino acid conservation, physicochemical variation, residue mobility, and thermodynamic stability) performed at Invitae indicates that this missense variant is not expected to disrupt CACNA1C protein function. This variant has not been reported in the literature in individuals affected with CACNA1C-related conditions. This variant is not present in population databases (gnomAD no frequency). This sequence change replaces glutamic acid, which is acidic and polar, with aspartic acid, which is acidic and polar, at codon 2038 of the CACNA1C protein (p.Glu2038Asp).

NM_000719.7(CACNA1C):c.6114A>C (p.Glu2038Asp)

Genes: CACNA1C (calcium voltage-gated channel subunit alpha1 C; plus strand), CACNA1C-AS1 (CACNA1C antisense RNA 1; minus strand). Cytogenetic location: 12p13.33.
Variant type: single nucleotide variant.
Coding change: c.6114A>C on transcript NM_000719.7 (MANE Select); coding-DNA position 6114, A replaced by C.
Protein change: p.Glu2038Asp; replaces glutamic acid 2038 with aspartic acid.
Molecular consequence: missense variant.
Genome position (GRCh38, 1-based): chr12:2,688,776, A>C. VCF-style: chr12-2688776-A-C. GRCh37 (hg19) VCF-style: chr12-2797942-A-C.
Other names: c.6258A>C, p.Glu2086Asp (NM_001129827.2); c.6237A>C, p.Glu2079Asp (NM_001129829.2); c.6219A>C, p.Glu2073Asp (NM_001129830.3, NM_001167624.3); c.6198A>C, p.Glu2066Asp (NM_001129831.2); c.6174A>C, p.Glu2058Asp (NM_001129832.2); c.6171A>C, p.Glu2057Asp (NM_001129833.2, NM_001129834.2, NM_001129835.2); c.6165A>C, p.Glu2055Asp (NM_001129836.2); c.6138A>C, p.Glu2046Asp (NM_001129837.2, NM_001129838.2); and 6 more; short protein forms E2038D, E2044D, E2086D, E2027D, E2035D, E2057D, E2066D, E2073D.
Identifiers: ClinVar variation 2881079 (VCV002881079.3), dbSNP rs2534887515, ClinGen allele CA383385531.
Genomic context (GRCh38, chr12:2,688,776, plus strand): 5'-GCCCAGCCAGGCTGGGGCCCCAGGGAGGCAGTTCCACGGCAGTGCCAGCAGCCTGGTGGA[A>C]GCGGTAGGTGACTCGCAGATGGGCAGGGGGGAGAGGCCACGGGCAACAAGGGGACTTGGC-3'
Protein context (NP_000710.5, residues 2028-2048): QFHGSASSLV[Glu2038Asp]AVLISEGLGQ